The following is an entry in ClinVar:

ClinVar aggregate classification (germline): Conflicting classifications of pathogenicity. Review status: criteria provided, conflicting classifications (1 of 4 stars). 2 submissions from 2 submitters: Uncertain significance (1); Likely benign (1). Last evaluated 2021-12-03.

Conditions:
Idiopathic basal ganglia calcification 1 (PFBC1A). Also called: Cerebral calcification nonarteriosclerotic idiopathic adult-onset; Striopallidodentate calcinosis autosomal dominant adult-onset; Ferrocalcinosis, cerebrovascular; Fahr disease, familial (formerly); PRIMARY FAMILIAL BRAIN CALCIFICATION 1A, AUTOSOMAL DOMINANT; Familial Idiopathic Basal Ganglia Calcification 3. Identifiers: Orphanet 1980, MedGen C4551624, MONDO:0024538, OMIM 213600.

Allele frequency attached by ClinVar (database versions not stated): gnomAD exomes 0.00002; gnomAD 0.00004; ExAC 0.00002; TOPMed 0.00006.
gnomAD v4.1: 30 of 1,613,766 alleles (0.0019%); highest among the groups gnomAD compares: African/African-American, 0.021%; no homozygotes.

Submissions (2):

Labcorp Genetics (formerly Invitae), Labcorp
Classification: Uncertain significance. Last evaluated: 2021-12-03. Review status: criteria provided, single submitter. Criteria: Invitae Variant Classification Sherloc (09022015). Collection method: clinical testing. Allele origin: germline.
Comment: Algorithms developed to predict the effect of missense changes on protein structure and function (SIFT, PolyPhen-2, Align-GVGD) all suggest that this variant is likely to be disruptive. In summary, the available evidence is currently insufficient to determine the role of this variant in disease. Therefore, it has been classified as a Variant of Uncertain Significance. Algorithms developed to predict the effect of sequence changes on RNA splicing suggest that this variant may create or strengthen a splice site. ClinVar contains an entry for this variant (Variation ID: 908433). This missense change has been observed in individual(s) with hereditary multiple exostoses (PMID: 32705272). This variant is present in population databases (rs537867998, gnomAD 0.01%). This sequence change replaces arginine, which is basic and polar, with cysteine, which is neutral and slightly polar, at codon 617 of the SLC20A2 protein (p.Arg617Cys).

Illumina Laboratory Services, Illumina
Classification: Likely benign for Idiopathic basal ganglia calcification 1. Last evaluated: 2018-01-12. Review status: criteria provided, single submitter. Criteria: ICSL Variant Classification Criteria 13 December 2019. Collection method: clinical testing. Allele origin: germline.
Comment: This variant was observed in the ICSL laboratory as part of a predisposition screen in an ostensibly healthy population. It had not been previously curated by ICSL or reported in the Human Gene Mutation Database (HGMD: prior to June 1st, 2018), and was therefore a candidate for classification through an automated scoring system. Utilizing variant allele frequency, disease prevalence and penetrance estimates, and inheritance mode, an automated score was calculated to assess if this variant is too frequent to cause the disease. Based on the score and internal cut-off values, a variant classified as likely benign is not then subjected to further curation. The score for this variant resulted in a classification of likely benign for this disease.

Literature cited by the submitters: PubMed 32705272 (cited by Labcorp Genetics (formerly Invitae), Labcorp).

NM_001257180.2(SLC20A2):c.1849C>T (p.Arg617Cys)

Gene: SLC20A2 (solute carrier family 20 member 2; minus strand). Cytogenetic location: 8p11.21.
Variant type: single nucleotide variant.
Coding change: c.1849C>T on transcript NM_001257180.2 (MANE Select); coding-DNA position 1849, C replaced by T.
Protein change: p.Arg617Cys; replaces arginine 617 with cysteine.
Molecular consequence: missense variant.
Genome position (GRCh38, 1-based): chr8:42,417,913, G>A on the plus strand (C>T on the coding strand, the complement: SLC20A2 is on the minus strand). VCF-style: chr8-42417913-G-A. GRCh37 (hg19) VCF-style: chr8-42275431-G-A.
Other names: c.1849C>T, p.Arg617Cys (NM_001257181.2, NM_006749.5); short protein forms R617C.
Identifiers: ClinVar variation 908433 (VCV000908433.11), dbSNP rs537867998, ClinGen allele CA4733185.